The following is an entry in ClinVar:

NM_004366.6(CLCN2):c.2350A>G (p.Asn784Asp)

Gene: CLCN2 (chloride voltage-gated channel 2; minus strand). Cytogenetic location: 3q27.1.
Variant type: single nucleotide variant.
Coding change: c.2350A>G on transcript NM_004366.6 (MANE Select); coding-DNA position 2350, A replaced by G.
Protein change: p.Asn784Asp; replaces asparagine 784 with aspartic acid.
Molecular consequence: missense variant.
Genome position (GRCh38, 1-based): chr3:184,352,078, T>C on the plus strand (A>G on the coding strand, the complement: CLCN2 is on the minus strand). VCF-style: chr3-184352078-T-C. GRCh37 (hg19) VCF-style: chr3-184069866-T-C.
Other names: c.2299A>G, p.Asn767Asp (NM_001171087.3); c.2218A>G, p.Asn740Asp (NM_001171088.3); c.2350A>G, p.Asn784Asp (NM_001171089.3); short protein forms N784D, N767D, N740D.
Identifiers: ClinVar variation 2763781 (VCV002763781.3), dbSNP rs2474234093, ClinGen allele CA355447032.

ClinVar aggregate classification (germline): Uncertain significance (1 of 4 stars; one submission).

Submission:

Labcorp Genetics (formerly Invitae), Labcorp
Classification: Uncertain significance. Last evaluated: 2023-06-03. Review status: criteria provided, single submitter. Criteria: Invitae Variant Classification Sherloc (09022015). Collection method: clinical testing. Allele origin: germline.
Comment: Advanced modeling of protein sequence and biophysical properties (such as structural, functional, and spatial information, amino acid conservation, physicochemical variation, residue mobility, and thermodynamic stability) performed at Invitae indicates that this missense variant is not expected to disrupt CLCN2 protein function. This variant has not been reported in the literature in individuals affected with CLCN2-related conditions. In summary, the available evidence is currently insufficient to determine the role of this variant in disease. Therefore, it has been classified as a Variant of Uncertain Significance. This variant is not present in population databases (gnomAD no frequency). This sequence change replaces asparagine, which is neutral and polar, with aspartic acid, which is acidic and polar, at codon 784 of the CLCN2 protein (p.Asn784Asp).